The following is an entry in ClinVar:

ClinVar aggregate classification (germline): Uncertain significance (1 of 4 stars; one submission).

Allele frequency attached by ClinVar (database versions not stated): gnomAD exomes below 0.00001 and 0.00001; ExAC 0.00001; gnomAD 0.00003.
gnomAD v4.1: 16 of 1,613,974 alleles (0.00099%); highest among the groups gnomAD compares: African/African-American, 0.0053%; no homozygotes.

Submission:

Labcorp Genetics (formerly Invitae), Labcorp
Classification: Uncertain significance. Last evaluated: 2022-05-31. Review status: criteria provided, single submitter. Criteria: Invitae Variant Classification Sherloc (09022015). Collection method: clinical testing. Allele origin: germline.
Comment: This sequence change replaces alanine, which is neutral and non-polar, with threonine, which is neutral and polar, at codon 4424 of the LRP2 protein (p.Ala4424Thr). This variant is present in population databases (rs774009040, gnomAD 0.006%). This variant has not been reported in the literature in individuals affected with LRP2-related conditions. ClinVar contains an entry for this variant (Variation ID: 1467272). Algorithms developed to predict the effect of missense changes on protein structure and function (SIFT, PolyPhen-2, Align-GVGD) all suggest that this variant is likely to be tolerated. In summary, the available evidence is currently insufficient to determine the role of this variant in disease. Therefore, it has been classified as a Variant of Uncertain Significance.

NM_004525.3(LRP2):c.13270G>A (p.Ala4424Thr)

Gene: LRP2 (LDL receptor related protein 2; minus strand). Cytogenetic location: 2q31.1.
Variant type: single nucleotide variant.
Coding change: c.13270G>A on transcript NM_004525.3 (MANE Select); coding-DNA position 13270, G replaced by A.
Protein change: p.Ala4424Thr; replaces alanine 4424 with threonine.
Molecular consequence: missense variant.
Genome position (GRCh38, 1-based): chr2:169,139,369, C>T on the plus strand (G>A on the coding strand, the complement: LRP2 is on the minus strand). VCF-style: chr2-169139369-C-T. GRCh37 (hg19) VCF-style: chr2-169995879-C-T.
Other names: short protein forms A4424T.
Identifiers: ClinVar variation 1467272 (VCV001467272.3), dbSNP rs774009040, ClinGen allele CA1952583.